The following is an entry in ClinVar:

ClinVar aggregate classification (germline): Uncertain significance (1 of 4 stars; one submission).

Allele frequency attached by ClinVar (database versions not stated): TOPMed below 0.00001.
gnomAD v4.1: 1 of 1,614,144 alleles (0.000062%); highest among the groups gnomAD compares: Admixed American, 0.0017%; no homozygotes.

Submission:

Labcorp Genetics (formerly Invitae), Labcorp
Classification: Uncertain significance. Last evaluated: 2024-01-31. Review status: criteria provided, single submitter. Criteria: Invitae Variant Classification Sherloc (09022015). Collection method: clinical testing. Allele origin: germline.
Comment: This sequence change replaces threonine, which is neutral and polar, with arginine, which is basic and polar, at codon 1534 of the LRP6 protein (p.Thr1534Arg). This variant is present in population databases (no rsID available, gnomAD 0.003%). This variant has not been reported in the literature in individuals affected with LRP6-related conditions. An algorithm developed to predict the effect of missense changes on protein structure and function (PolyPhen-2) suggests that this variant is likely to be disruptive. In summary, the available evidence is currently insufficient to determine the role of this variant in disease. Therefore, it has been classified as a Variant of Uncertain Significance.

NM_002336.3(LRP6):c.4601C>G (p.Thr1534Arg)

Gene: LRP6 (LDL receptor related protein 6; minus strand). Cytogenetic location: 12p13.2.
Variant type: single nucleotide variant.
Coding change: c.4601C>G on transcript NM_002336.3 (MANE Select); coding-DNA position 4601, C replaced by G.
Protein change: p.Thr1534Arg; replaces threonine 1534 with arginine.
Molecular consequence: missense variant. On other transcripts: 3 prime UTR variant (1), non-coding transcript variant (1).
Genome position (GRCh38, 1-based): chr12:12,121,367, G>C on the plus strand (C>G on the coding strand, the complement: LRP6 is on the minus strand). VCF-style: chr12-12121367-G-C. GRCh37 (hg19) VCF-style: chr12-12274301-G-C.
Other names: c.4694C>G, p.Thr1565Arg (NM_001414244.1); c.4601C>G, p.Thr1534Arg (NM_001414245.1); c.4466C>G, p.Thr1489Arg (NM_001414246.1); c.4403C>G, p.Thr1468Arg (NM_001414247.1); c.*77C>G (NM_001414248.1); c.4238C>G, p.Thr1413Arg (NM_001414251.1); c.4148C>G, p.Thr1383Arg (NM_001414252.1, NM_001414253.1, NM_001414254.1); c.4094C>G, p.Thr1365Arg (NM_001414255.1); short protein forms T1383R, T1534R, T1489R, T1565R, T1365R, T1468R, T1413R.
Identifiers: ClinVar variation 2990575 (VCV002990575.3), dbSNP rs1306827078, ClinGen allele CA383947931.